The following is an entry in ClinVar:

ClinVar aggregate classification (germline): Uncertain significance. Review status: criteria provided, multiple submitters, no conflicts (2 of 4 stars). 3 submissions from 3 submitters: Uncertain significance (2). 1 of the submissions does not count toward it. Last evaluated 2023-06-05.

Conditions:
Schimke immuno-osseous dysplasia (SIOD). Also called: Schimke Immunoosseous Dysplasia. Identifiers: Orphanet 1830, MedGen C0877024, MONDO:0009458, OMIM 242900.
Inborn genetic diseases. Identifiers: MedGen C0950123, MeSH D030342.

Allele frequency attached by ClinVar (database versions not stated): gnomAD exomes 0.00002 and 0.00001; ExAC 0.00001.
gnomAD v4.1: 27 of 1,614,032 alleles (0.0017%); highest among the groups gnomAD compares: South Asian, 0.0022%; no homozygotes.

Submissions (3):

Ambry Genetics
Classification: Uncertain significance for Inborn genetic diseases. Last evaluated: 2023-06-05. Review status: criteria provided, single submitter. Criteria: Ambry Variant Classification Scheme 2023. Collection method: clinical testing. Allele origin: germline.

Labcorp Genetics (formerly Invitae), Labcorp
Classification: Uncertain significance for Schimke immuno-osseous dysplasia. Last evaluated: 2021-09-01. Review status: criteria provided, single submitter. Criteria: Invitae Variant Classification Sherloc (09022015). Collection method: clinical testing. Allele origin: germline.
Comment: This sequence change replaces isoleucine with valine at codon 548 of the SMARCAL1 protein (p.Ile548Val). The isoleucine residue is moderately conserved and there is a small physicochemical difference between isoleucine and valine. This variant is present in population databases (rs781453232, ExAC 0.001%). This variant has not been reported in the literature in individuals affected with SMARCAL1-related conditions. Algorithms developed to predict the effect of missense changes on protein structure and function output the following: SIFT: "Tolerated"; PolyPhen-2: "Benign"; Align-GVGD: "Class C0". The valine amino acid residue is found in multiple mammalian species, which suggests that this missense change does not adversely affect protein function. In summary, the available evidence is currently insufficient to determine the role of this variant in disease. Therefore, it has been classified as a Variant of Uncertain Significance.

Natera, Inc.
Classification: Uncertain significance for Schimke immuno-osseous dysplasia. Last evaluated: 2020-07-05. Review status: no assertion criteria provided. Collection method: clinical testing. Allele origin: germline. Not counted in ClinVar's aggregate classification.

NM_014140.4(SMARCAL1):c.1642A>G (p.Ile548Val)

Gene: SMARCAL1 (SNF2 related chromatin remodeling annealing helicase 1; plus strand). Cytogenetic location: 2q35.
Variant type: single nucleotide variant.
Coding change: c.1642A>G on transcript NM_014140.4 (MANE Select); coding-DNA position 1642, A replaced by G.
Protein change: p.Ile548Val; replaces isoleucine 548 with valine.
Molecular consequence: missense variant.
Genome position (GRCh38, 1-based): chr2:216,435,494, A>G. VCF-style: chr2-216435494-A-G. GRCh37 (hg19) VCF-style: chr2-217300217-A-G.
Other names: c.1642A>G, p.Ile548Val (NM_001127207.2); short protein forms I548V.
Identifiers: ClinVar variation 970081 (VCV000970081.9), dbSNP rs781453232, ClinGen allele CA2097936.
Genomic context (GRCh38, chr2:216,435,494, plus strand): 5'-AGCTTTGACCTTCTTAGCAAGTTGGAAAAACAGCTAAAAACCCCTTTTAAAGTTGTCATC[A>G]TTGTAAGAAACTTGGCAAAGTCTTTAAGTACTTTATCTCTCTGGAAACTTTCTTTGTAAA-3'
Protein context (NP_054859.2, residues 538-558): QLKTPFKVVI[Ile548Val]DESHFLKNSR